The following is an entry in ClinVar:

ClinVar aggregate classification (germline): Benign. Review status: criteria provided, multiple submitters, no conflicts (2 of 4 stars). 3 submissions from 3 submitters: Benign (2). 1 of the submissions does not count toward it. Last evaluated 2019-12-31.

Conditions:
SHROOM2-related disorder. Also called: SHROOM2-related condition.

Allele frequency attached by ClinVar (database versions not stated): gnomAD exomes 0.00162 and 0.00497; gnomAD 0.01716 and 0.01637; TOPMed 0.01804; 1000 Genomes Project 30x 0.02268; ExAC 0.00638; ESP Exome Variant Server 0.02054; 1000 Genomes Project 0.02199.
gnomAD v4.1: 3,715 of 1,211,242 alleles (0.31%); highest among the groups gnomAD compares: African/African-American, 5.6%; 93 homozygotes.

Submissions (3):

Labcorp Genetics (formerly Invitae), Labcorp
Classification: Benign. Last evaluated: 2019-12-31. Review status: criteria provided, single submitter. Criteria: Invitae Variant Classification Sherloc (09022015). Collection method: clinical testing. Allele origin: germline.

Breakthrough Genomics
Classification: Benign. Review status: criteria provided, single submitter. Criteria: ACMG Guidelines, 2015. Collection method: not provided. Allele origin: germline. Inheritance: Unknown mechanism. Affected: yes.

PreventionGenetics, part of Exact Sciences
Classification: Benign for SHROOM2-related condition. Last evaluated: 2019-07-12. Review status: no assertion criteria provided. Collection method: clinical testing. Allele origin: germline. Not counted in ClinVar's aggregate classification.
Comment: This variant is classified as benign based on ACMG/AMP sequence variant interpretation guidelines (Richards et al. 2015 PMID: 25741868, with internal and published modifications).

NM_001649.4(SHROOM2):c.2495C>T (p.Ala832Val)

Gene: SHROOM2 (shroom family member 2; plus strand). Cytogenetic location: Xp22.2.
Variant type: single nucleotide variant.
Coding change: c.2495C>T on transcript NM_001649.4 (MANE Select); coding-DNA position 2495, C replaced by T.
Protein change: p.Ala832Val; replaces alanine 832 with valine.
Molecular consequence: missense variant.
Genome position (GRCh38, 1-based): chrX:9,896,403, C>T. VCF-style: chrX-9896403-C-T. GRCh37 (hg19) VCF-style: chrX-9864443-C-T.
Other names: short protein forms A832V.
Identifiers: ClinVar variation 783902 (VCV000783902.7), dbSNP rs12006769, ClinGen allele CA10345564.
Genomic context (GRCh38, chrX:9,896,403, plus strand): 5'-CTGCCCAGAAGCAAGCTCTTCACGGAATCCCGAGAGACAAGCCAGAGAGGCCGCGGACAG[C>T]GGGCCGCACATGTGAGGGCACGGAGCCCTGGTCGCGCACCACCTCCCTTGGGGACAGCCT-3'
Protein context (NP_001640.1, residues 822-842): PRDKPERPRT[Ala832Val]GRTCEGTEPW